The following is an entry in ClinVar:

NM_001190274.2(FBXO11):c.1510G>A (p.Gly504Arg)

Gene: FBXO11 (F-box protein 11; minus strand). Cytogenetic location: 2p16.3.
Variant type: single nucleotide variant.
Coding change: c.1510G>A on transcript NM_001190274.2 (MANE Select); coding-DNA position 1510, G replaced by A.
Protein change: p.Gly504Arg; replaces glycine 504 with arginine.
Molecular consequence: missense variant.
Genome position (GRCh38, 1-based): chr2:47,823,249, C>T on the plus strand (G>A on the coding strand, the complement: FBXO11 is on the minus strand). VCF-style: chr2-47823249-C-T. GRCh37 (hg19) VCF-style: chr2-48050388-C-T.
Other names: c.1258G>A, p.Gly420Arg (NM_001374325.1, NM_025133.4); short protein forms G420R, G504R.
Identifiers: ClinVar variation 3731247 (VCV003731247.1).
Genomic context (GRCh38, chr2:47,823,249, plus strand): 5'-TGTTTGCATAGATTTTATTCTCTATGAATTGTCCTCTTCCTTTTTCATGGACATATATTC[C>T]TCCAGTCTGCCCATGGTGAATTTCACATCGAACCACTGTAGGGTTAGCATAGGCTTTTAC-3'
Protein context (NP_001177203.1, residues 494-514): RCEIHHGQTG[Gly504Arg]IYVHEKGRGQ

ClinVar aggregate classification (germline): Uncertain significance (1 of 4 stars; one submission).

Submission:

GeneDx
Classification: Uncertain significance. Last evaluated: 2024-08-15. Review status: criteria provided, single submitter. Criteria: GeneDx Variant Classification Process June 2021. Collection method: clinical testing. Allele origin: germline. Affected: yes.
Comment: Not observed at significant frequency in large population cohorts (gnomAD); In silico analysis supports that this missense variant has a deleterious effect on protein structure/function; Has not been previously published as pathogenic or benign to our knowledge